The following is an entry in ClinVar:

ClinVar aggregate classification (germline): Likely benign (1 of 4 stars; one submission).

Allele frequency attached by ClinVar (database versions not stated): gnomAD 0.01671 and 0.01673; TOPMed 0.01830; gnomAD exomes 0.02277; 1000 Genomes Project 30x 0.02452; 1000 Genomes Project 0.02496.
gnomAD v4.1: 17,374 of 804,826 alleles (2.2%); highest among the groups gnomAD compares: Admixed American, 3.4%; 245 homozygotes.

Submission:

GeneDx
Classification: Likely benign. Last evaluated: 2018-06-14. Review status: criteria provided, single submitter. Criteria: GeneDx Variant Classification (06012015). Collection method: clinical testing. Allele origin: germline. Affected: yes.
Comment: This variant is considered likely benign or benign based on one or more of the following criteria: it is a conservative change, it occurs at a poorly conserved position in the protein, it is predicted to be benign by multiple in silico algorithms, and/or has population frequency not consistent with disease.

NM_030962.4(SBF2):c.3455+149T>C

Genes: SBF2 (SET binding factor 2; minus strand), LOC101928008 (uncharacterized LOC101928008; plus strand). Cytogenetic location: 11p15.4.
Variant type: single nucleotide variant.
Coding change: c.3455+149T>C on transcript NM_030962.4 (MANE Select); 149 bases into the intron after coding-DNA position 3455, T replaced by C.
Molecular consequence: intron variant.
Genome position (GRCh38, 1-based): chr11:9,839,349, A>G on the plus strand (T>C on the coding strand, the complement: SBF2 is on the minus strand). VCF-style: chr11-9839349-A-G. GRCh37 (hg19) VCF-style: chr11-9860896-A-G.
Other names: c.3326+149T>C (NM_001386342.1); c.3455+149T>C (NM_001386339.1).
Identifiers: ClinVar variation 675847 (VCV000675847.1), dbSNP rs71476850, ClinGen allele CA217617303.